The following is an entry in ClinVar:

ClinVar aggregate classification (germline): Uncertain significance (1 of 4 stars; one submission).

Allele frequency attached by ClinVar (database versions not stated): gnomAD exomes below 0.00001.
gnomAD v4.1: 1 of 1,564,708 alleles (0.000064%); highest among the groups gnomAD compares: Admixed American, 0.002%; no homozygotes.

Submission:

Labcorp Genetics (formerly Invitae), Labcorp
Classification: Uncertain significance. Last evaluated: 2022-05-04. Review status: criteria provided, single submitter. Criteria: Invitae Variant Classification Sherloc (09022015). Collection method: clinical testing. Allele origin: germline.
Comment: In summary, the available evidence is currently insufficient to determine the role of this variant in disease. Therefore, it has been classified as a Variant of Uncertain Significance. Variants that disrupt the consensus splice site are a relatively common cause of aberrant splicing (PMID: 17576681, 9536098). Algorithms developed to predict the effect of sequence changes on RNA splicing suggest that this variant is not likely to affect RNA splicing. This variant has not been reported in the literature in individuals affected with ERBIN-related conditions. This variant is present in population databases (no rsID available, gnomAD 0.004%). This sequence change falls in intron 12 of the ERBIN gene. It does not directly change the encoded amino acid sequence of the ERBIN protein. It affects a nucleotide within the consensus splice site.

Literature cited by the submitters: PubMed 17576681; PubMed 9536098.

NM_001253697.2(ERBIN):c.1021-3C>T

Gene: ERBIN (erbb2 interacting protein; plus strand). Cytogenetic location: 5q12.3.
Variant type: single nucleotide variant.
Coding change: c.1021-3C>T on transcript NM_001253697.2 (MANE Select); 3 bases into the intron before coding-DNA position 1021, C replaced by T.
Molecular consequence: intron variant.
Genome position (GRCh38, 1-based): chr5:66,026,299, C>T. VCF-style: chr5-66026299-C-T. GRCh37 (hg19) VCF-style: chr5-65322127-C-T.
Other names: c.1021-3C>T (NM_001253699.2, NM_018695.4, NM_001253698.2 and 2 more transcripts).
Identifiers: ClinVar variation 1935350 (VCV001935350.5), dbSNP rs200438167, ClinGen allele CA560300490.